The following is an entry in ClinVar:

ClinVar aggregate classification (germline): Benign/Likely benign. Review status: criteria provided, multiple submitters, no conflicts (2 of 4 stars). 4 submissions from 4 submitters: Benign (2); Likely benign (2). Last evaluated 2026-01-05.

Conditions:
MYH7B-related disorder. Also called: MYH7B-related condition.

Allele frequency attached by ClinVar (database versions not stated): 1000 Genomes Project 30x 0.00094; 1000 Genomes Project 0.00100; gnomAD exomes 0.00171 and 0.00223; ExAC 0.00186; TOPMed 0.00188; gnomAD 0.00200 and 0.00211; ESP Exome Variant Server 0.00250.
gnomAD v4.1: 3,531 of 1,611,706 alleles (0.22%); highest among the groups gnomAD compares: Non-Finnish European, 0.26%; 9 homozygotes.

Submissions (4):

Labcorp Genetics (formerly Invitae), Labcorp
Classification: Benign. Last evaluated: 2026-01-05. Review status: criteria provided, single submitter. Criteria: Invitae Variant Classification Sherloc (09022015). Collection method: clinical testing. Allele origin: germline.

PreventionGenetics, part of Exact Sciences
Classification: Likely benign for MYH7B-related condition. Last evaluated: 2024-10-25. Review status: criteria provided, single submitter. Criteria: ACMG Guidelines, 2015. Collection method: clinical testing. Allele origin: germline.
Comment: This variant is classified as likely benign based on ACMG/AMP sequence variant interpretation guidelines (Richards et al. 2015 PMID: 25741868, with internal and published modifications).

CeGaT Center for Human Genetics Tuebingen
Classification: Likely benign. Last evaluated: 2022-07-01. Review status: criteria provided, single submitter. Criteria: CeGaT Center For Human Genetics Tuebingen Variant Classification Criteria Version 2. Collection method: clinical testing. Allele origin: germline. Affected: yes. Observed: 1 variant allele.
Comment: MYH7B: BP4

Breakthrough Genomics
Classification: Benign. Review status: criteria provided, single submitter. Criteria: ACMG Guidelines, 2015. Collection method: not provided. Allele origin: germline. Inheritance: Unknown mechanism. Affected: yes.

NM_020884.7(MYH7B):c.588C>T (p.Ile196=)

Gene: MYH7B (myosin heavy chain 7B; plus strand). Cytogenetic location: 20q11.22.
Variant type: single nucleotide variant.
Coding change: c.588C>T on transcript NM_020884.7 (MANE Select); coding-DNA position 588, C replaced by T.
Protein change: p.Ile196=; no amino-acid change (isoleucine 196 retained).
Molecular consequence: synonymous variant.
Genome position (GRCh38, 1-based): chr20:34,982,519, C>T. VCF-style: chr20-34982519-C-T. GRCh37 (hg19) VCF-style: chr20-33570322-C-T.
Other names: c.714C>T (NM_020884.4).
Identifiers: ClinVar variation 1643833 (VCV001643833.34), dbSNP rs145840864, ClinGen allele CA9826515.